The following is an entry in ClinVar:

ClinVar aggregate classification (germline): Uncertain significance (1 of 4 stars; one submission).

Submission:

Labcorp Genetics (formerly Invitae), Labcorp
Classification: Uncertain significance. Last evaluated: 2024-10-28. Review status: criteria provided, single submitter. Criteria: Invitae Variant Classification Sherloc (09022015). Collection method: clinical testing. Allele origin: germline.
Comment: This sequence change replaces leucine, which is neutral and non-polar, with valine, which is neutral and non-polar, at codon 705 of the ERCC6L2 protein (p.Leu705Val). This variant is not present in population databases (gnomAD no frequency). This variant has not been reported in the literature in individuals affected with ERCC6L2-related conditions. Experimental studies and prediction algorithms are not available or were not evaluated, and the functional significance of this variant is currently unknown. In summary, the available evidence is currently insufficient to determine the role of this variant in disease. Therefore, it has been classified as a Variant of Uncertain Significance.

NM_020207.7(ERCC6L2):c.2080C>G (p.Leu694Val)

Gene: ERCC6L2 (ERCC excision repair 6 like 2; plus strand). Cytogenetic location: 9q22.32.
Variant type: single nucleotide variant.
Coding change: c.2080C>G on transcript NM_020207.7 (MANE Select); coding-DNA position 2080, C replaced by G.
Protein change: p.Leu694Val; replaces leucine 694 with valine.
Molecular consequence: missense variant. On other transcripts: non-coding transcript variant (1).
Genome position (GRCh38, 1-based): chr9:95,966,694, C>G. VCF-style: chr9-95966694-C-G. GRCh37 (hg19) VCF-style: chr9-98728976-C-G.
Other names: c.2080C>G, p.Leu694Val (NM_001010895.4, NM_001375291.1, NM_001375292.1 and 2 more transcripts); short protein forms L694V.
Identifiers: ClinVar variation 3723984 (VCV003723984.2).